The following is an entry in ClinVar:

ClinVar aggregate classification (germline): Pathogenic (0 of 4 stars; one submission).

Conditions:
Chromosome 17q12 duplication syndrome. Also called: 17q12 Recurrent Duplication. Identifiers: Orphanet 261272, MedGen C3281137, MONDO:0013796, OMIM 614526.

Submission:

GeneReviews
Classification: Pathogenic for Chromosome 17q12 duplication syndrome. Last evaluated: 2015-12-16. Review status: no assertion criteria provided. Collection method: literature only. Allele origin: germline. Affected: yes.
Comment: 1.4-Mb heterozygous microduplication at 17q12. It is not known which gene or genes may be responsible for the phenotypic features seen in individuals with the microduplication.

Literature cited by the submitters: PubMed 23307502; PubMed 22488896; PubMed 21540130; PubMed 23375656; PubMed 24049133; PubMed 17924346; PubMed 18657637; PubMed 26420380; PubMed 19844256; PubMed 16906162; PubMed 24239950.

GRCh37/hg19 chr17:34,815,072-36,192,492

Variant type: Variation.
Identifiers: ClinVar variation 223237 (VCV000223237.1).